The following is an entry in ClinVar:

ClinVar aggregate classification (germline): Likely pathogenic (1 of 4 stars; one submission).

Conditions:
Fabry disease. Also called: Fabry's disease; ALPHA-GALACTOSIDASE A DEFICIENCY; ANDERSON-FABRY DISEASE; CERAMIDE TRIHEXOSIDASE DEFICIENCY; GLA DEFICIENCY; HEREDITARY DYSTOPIC LIPIDOSIS. Identifiers: Orphanet 324, MedGen C0002986, MONDO:0010526, OMIM 301500, HP:0001071. Disease mechanism: Fabry disease is due to inactivating mutations in the X-linked GLA gene resulting in deficiency of the enzyme Alpha Galactosidase-A., loss of function.

Submission:

Genomenon, Inc
Classification: Likely pathogenic for Fabry disease. Last evaluated: 2026-09-08. Review status: criteria provided, single submitter. Criteria: Genomenon Sequence Variant Interpretation Standards - Updated. Collection method: curation. Allele origin: germline. Affected: no.
Comment: GLA p.Thr41GlyfsTer13 (c.121_125del) is a frameshift variant that is predicted to introduce a premature termination codon and result in a truncated or absent protein product. This variant has been reported in the published literature (PMID:31378672). It is absent or not present at a significant frequency in gnomAD. In conclusion, we classify GLA p.Thr41GlyfsTer13 (c.121_125del) as a likely pathogenic variant.

Literature cited by the submitters: PubMed 31378672.

NM_000169.3(GLA):c.121_125del (p.Thr41fs)

Genes: GLA (galactosidase alpha; minus strand), RPL36A-HNRNPH2 (RPL36A-HNRNPH2 readthrough; plus strand). Cytogenetic location: Xq22.1.
Variant type: Deletion.
Coding change: c.121_125del on transcript NM_000169.3 (MANE Select); coding-DNA positions 121 to 125, 5 bases deleted (ACCAT; older notation c.121_125delACCAT).
Protein change: p.Thr41fs; shifts the reading frame from threonine 41.
Molecular consequence: frameshift variant. On other transcripts: non-coding transcript variant (3), intron variant (2).
Genome position (GRCh38, 1-based): chrX:101,407,779-101,407,783, ATGGT deleted on the plus strand (ACCAT on the coding strand, the reverse complement: GLA is on the minus strand); deleting any 5 consecutive bases within chrX:101,407,779-101,407,784 gives the same sequence; the c. name uses the placement nearest the transcript's 3' end. VCF-style (leftmost placement, unchanged base first): chrX-101407778-CATGGT-C. GRCh37 (hg19) VCF-style: chrX-100662766-CATGGT-C.
Other names: c.121_125del, p.Thr41fs (NM_001406747.1, NM_001406748.1, NM_001406749.1); c.301-4156_301-4152del (NM_001199973.2); c.178-4156_178-4152del (NM_001199974.2); short protein forms T41fs.
Identifiers: ClinVar variation 4974835 (VCV004974835.1).
Genomic context (GRCh38, chrX:101,407,778, plus strand): 5'-GGAATCTGGCTCTTCCTGGCAGTCAAGGTTGCACATGAAGCGCTCCCAGTGCAGCCAGCC[CATGGT>C]AGGCGTCCTTGCCAATCCATTGTCCAGTGCTCTAGCCCCAGGGATGTCCCAGGAAACGAG-3'